The following is an entry in ClinVar:

NM_000337.6(SGCD):c.798C>A (p.Cys266Ter)

Gene: SGCD (sarcoglycan delta; plus strand). Cytogenetic location: 5q33.3.
Variant type: single nucleotide variant.
Coding change: c.798C>A on transcript NM_000337.6 (MANE Select); coding-DNA position 798, C replaced by A.
Protein change: p.Cys266Ter; replaces cysteine 266 with a stop codon.
Molecular consequence: nonsense.
Genome position (GRCh38, 1-based): chr5:156,759,315, C>A. VCF-style: chr5-156759315-C-A. GRCh37 (hg19) VCF-style: chr5-156186326-C-A.
Other names: c.795C>A, p.Cys265Ter (NM_001128209.2); short protein forms C266*, C265*.
Identifiers: ClinVar variation 1377950 (VCV001377950.8), dbSNP rs371850230, ClinGen allele CA130642256.

ClinVar aggregate classification (germline): Uncertain significance (1 of 4 stars; one submission).

Conditions:
Autosomal recessive limb-girdle muscular dystrophy type 2F (LGMDR6). Also called: Muscular dystrophy limb-girdle with delta-sarcoglyan deficiency; MUSCULAR DYSTROPHY, LIMB-GIRDLE, AUTOSOMAL RECESSIVE 6. Identifiers: Orphanet 219, MedGen C1832525, MONDO:0011028, OMIM 601287. Disease mechanism: Affects gamma-sarcoglycan and also disrupts the integrity of the entire sarcoglycan complex..

Allele frequency attached by ClinVar (database versions not stated): ESP Exome Variant Server 0.00008.
gnomAD v4.1: 1 of 1,613,114 alleles (0.000062%); highest among the groups gnomAD compares: African/African-American, 0.0013%; no homozygotes.

Submission:

Labcorp Genetics (formerly Invitae), Labcorp
Classification: Uncertain significance for Autosomal recessive limb-girdle muscular dystrophy type 2F. Last evaluated: 2022-05-09. Review status: criteria provided, single submitter. Criteria: Invitae Variant Classification Sherloc (09022015). Collection method: clinical testing. Allele origin: germline.
Comment: In summary, the available evidence is currently insufficient to determine the role of this variant in disease. Therefore, it has been classified as a Variant of Uncertain Significance. Experimental studies and prediction algorithms are not available or were not evaluated, and the functional significance of this variant is currently unknown. This variant has not been reported in the literature in individuals affected with SGCD-related conditions. This variant is not present in population databases (gnomAD no frequency). This sequence change creates a premature translational stop signal (p.Cys266*) in the SGCD gene. While this is not anticipated to result in nonsense mediated decay, it is expected to disrupt the last 25 amino acid(s) of the SGCD protein.